The following is an entry in ClinVar:

ClinVar aggregate classification (germline): Benign (1 of 4 stars; one submission).

Allele frequency attached by ClinVar (database versions not stated): 1000 Genomes Project 0.53255; 1000 Genomes Project 30x 0.54091; gnomAD 0.54341 and 0.54480; TOPMed 0.54603.
gnomAD v4.1: 82,515 of 152,002 alleles (54%); highest among the groups gnomAD compares: Admixed American, 57%; 22,439 homozygotes.

Submission:

GeneDx
Classification: Benign. Last evaluated: 2018-06-14. Review status: criteria provided, single submitter. Criteria: GeneDx Variant Classification (06012015). Collection method: clinical testing. Allele origin: germline. Affected: yes.
Comment: This variant is considered likely benign or benign based on one or more of the following criteria: it is a conservative change, it occurs at a poorly conserved position in the protein, it is predicted to be benign by multiple in silico algorithms, and/or has population frequency not consistent with disease.

NM_000053.4(ATP7B):c.1870-217A>G

Gene: ATP7B (ATPase copper transporting beta; minus strand). Cytogenetic location: 13q14.3.
Variant type: single nucleotide variant.
Coding change: c.1870-217A>G on transcript NM_000053.4 (MANE Select); 217 bases into the intron before coding-DNA position 1870, A replaced by G.
Molecular consequence: intron variant.
Genome position (GRCh38, 1-based): chr13:51,962,130, T>C on the plus strand (A>G on the coding strand, the complement: ATP7B is on the minus strand). VCF-style: chr13-51962130-T-C. GRCh37 (hg19) VCF-style: chr13-52536266-T-C.
Other names: c.1537-217A>G (NM_001243182.2); c.1869+2742A>G (NM_001005918.3, NM_001330579.2); c.1870-217A>G (NM_001330578.2).
Identifiers: ClinVar variation 680478 (VCV000680478.1), dbSNP rs9316562, ClinGen allele CA15800440.
Genomic context (GRCh38, chr13:51,962,130, plus strand): 5'-AATAGCCCTACAAACCCTGTGCAGAAGTTCAGCACTTCTGGGAAGACAGCTTCCCCAGAC[T>C]CCAAAGCTGAGCAGTGCTGACTTATAATTTAAACTCAGCATTTTTGAGTGAAGGAATCCC-3'